The following is an entry in ClinVar:

ClinVar aggregate classification (germline): Uncertain significance. Review status: criteria provided, multiple submitters, no conflicts (2 of 4 stars). 3 submissions from 3 submitters: Uncertain significance (3). Last evaluated 2025-06-29.

Conditions:
Hereditary cancer-predisposing syndrome. Also called: Hereditary Cancer Syndrome; Hereditary neoplastic syndrome; Tumor predisposition; Neoplastic Syndromes, Hereditary. Identifiers: Orphanet 140162, MedGen C0027672, MeSH D009386, MONDO:0015356.
Familial cancer of breast. Also called: BREAST CANCER, FAMILIAL; hereditary breast carcinoma; Hereditary breast cancer. Identifiers: Orphanet 227535, MedGen C0346153, MONDO:0016419, OMIM 114480. Disease mechanism: loss of function.

Submissions (3):

Ambry Genetics
Classification: Uncertain significance for Hereditary cancer-predisposing syndrome. Last evaluated: 2025-06-29. Review status: criteria provided, single submitter. Criteria: Ambry Variant Classification Scheme 2023. Collection method: clinical testing. Allele origin: germline.
Comment: The p.D741Y variant (also known as c.2221G>T), located in coding exon 11 of the BARD1 gene, results from a G to T substitution at nucleotide position 2221. The aspartic acid at codon 741 is replaced by tyrosine, an amino acid with highly dissimilar properties. This amino acid position is conserved. In addition, this alteration is predicted to be tolerated by in silico analysis. Based on the available evidence, the clinical significance of this variant remains unclear.

Labcorp Genetics (formerly Invitae), Labcorp
Classification: Uncertain significance for Familial cancer of breast. Last evaluated: 2024-04-29. Review status: criteria provided, single submitter. Criteria: Invitae Variant Classification Sherloc (09022015). Collection method: clinical testing. Allele origin: germline.
Comment: This sequence change replaces aspartic acid, which is acidic and polar, with tyrosine, which is neutral and polar, at codon 741 of the BARD1 protein (p.Asp741Tyr). This variant is not present in population databases (gnomAD no frequency). This variant has not been reported in the literature in individuals affected with BARD1-related conditions. ClinVar contains an entry for this variant (Variation ID: 127734). An algorithm developed to predict the effect of missense changes on protein structure and function (PolyPhen-2) suggests that this variant is likely to be disruptive. In summary, the available evidence is currently insufficient to determine the role of this variant in disease. Therefore, it has been classified as a Variant of Uncertain Significance.

GeneDx
Classification: Uncertain significance. Last evaluated: 2014-04-01. Review status: criteria provided, single submitter. Criteria: GeneDx Variant Classification (06012015). Collection method: clinical testing. Allele origin: germline. Affected: yes.
Comment: This variant is denoted BARD1 c.2221G>T at the cDNA level, p.Asp741Tyr (D741Y) at the protein level, and results in the change of an Aspartic Acid to a Tyrosine (GAT>TAT). This variant has not, to our knowledge, been published in the literature as pathogenic or benign. BARD1 Asp741Tyr was not observed in approximately 6,500 individuals of European and African American ancestry in the NHLBI Exome Sequencing Project, indicating it is not a common benign variant in these populations. Since Aspartic Acid and Tyrosine differ in polarity, charge, size or other properties, this is considered a non-conservative amino acid substitution and is likely to affect protein integrity. BARD1 Asp741Tyr occurs at a position that is conserved among mammals and is located within the BRCT2 domain. In silico analyses are inconsistent regarding the effect this variant may have on protein structure and function. Based on currently available information, it is unclear whether BARD1 Asp741Tyr is pathogenic or benign. We consider it to be a variant of uncertain significance. Furthermore, BARD1 has been only recently described in association with cancer predisposition and the risks are not well understood.

NM_000465.4(BARD1):c.2221G>T (p.Asp741Tyr)

Gene: BARD1 (BRCA1 associated RING domain 1; minus strand). Cytogenetic location: 2q35.
Variant type: single nucleotide variant.
Coding change: c.2221G>T on transcript NM_000465.4 (MANE Select); coding-DNA position 2221, G replaced by T.
Protein change: p.Asp741Tyr; replaces aspartic acid 741 with tyrosine.
Molecular consequence: missense variant. On other transcripts: non-coding transcript variant (3).
Genome position (GRCh38, 1-based): chr2:214,728,789, C>A on the plus strand (G>T on the coding strand, the complement: BARD1 is on the minus strand). VCF-style: chr2-214728789-C-A. GRCh37 (hg19) VCF-style: chr2-215593513-C-A.
Other names: p.D741Y:GAT>TAT; c.2164G>T, p.Asp722Tyr (NM_001282543.2); c.868G>T, p.Asp290Tyr (NM_001282545.2); c.811G>T, p.Asp271Tyr (NM_001282548.2); c.682G>T, p.Asp228Tyr (NM_001282549.2); short protein forms D741Y, D290Y, D722Y, D228Y, D271Y.
Identifiers: ClinVar variation 127734 (VCV000127734.11), dbSNP rs587780029, ClinGen allele CA287537.
Genomic context (GRCh38, chr2:214,728,789, plus strand): 5'-TCGAAGGAGCCTTCCAGACTTTGCCCTGCCGAACCCTCTCTGGGTGATAATTACACAAAT[C>A]TTCATAGATGATATACTGTGTGCAGAAGCGCTGATCAGAATCGGGTCTCGCATGGTATGC-3'
Protein context (NP_000456.2, residues 731-751): RFCTQYIIYE[Asp741Tyr]LCNYHPERVR